The following is an entry in ClinVar:

NM_000135.4(FANCA):c.1276A>G (p.Ser426Gly)

Gene: FANCA (FA complementation group A; minus strand). Cytogenetic location: 16q24.3.
Variant type: single nucleotide variant.
Coding change: c.1276A>G on transcript NM_000135.4 (MANE Select); coding-DNA position 1276, A replaced by G.
Protein change: p.Ser426Gly; replaces serine 426 with glycine.
Molecular consequence: missense variant.
Genome position (GRCh38, 1-based): chr16:89,791,486, T>C on the plus strand (A>G on the coding strand, the complement: FANCA is on the minus strand). VCF-style: chr16-89791486-T-C. GRCh37 (hg19) VCF-style: chr16-89857894-T-C.
Other names: c.1276A>G (LRG_495t1); c.1276A>G, p.Ser426Gly (NM_001286167.3); short protein forms S426G.
Identifiers: ClinVar variation 456075 (VCV000456075.10), dbSNP rs985078327, ClinGen allele CA286592220.

ClinVar aggregate classification (germline): Uncertain significance. Review status: criteria provided, multiple submitters, no conflicts (2 of 4 stars). 3 submissions from 3 submitters: Uncertain significance (2). 1 of the submissions does not count toward it. Last evaluated 2025-04-05.

Conditions:
Inborn genetic diseases. Identifiers: MedGen C0950123, MeSH D030342.
Fanconi anemia (FA). Also called: Fanconi's anemia. Identifiers: Orphanet 84, MedGen C0015625, MeSH D005199, MONDO:0019391.

Allele frequency attached by ClinVar (database versions not stated): gnomAD exomes below 0.00001.
gnomAD v4.1: 2 of 1,614,190 alleles (0.00012%); highest among the groups gnomAD compares: Non-Finnish European, 0.00017%; no homozygotes.

Submissions (3):

Ambry Genetics
Classification: Uncertain significance for Inborn genetic diseases. Last evaluated: 2025-04-05. Review status: criteria provided, single submitter. Criteria: Ambry Variant Classification Scheme 2023. Collection method: clinical testing. Allele origin: germline.
Comment: The p.S426G variant (also known as c.1276A>G), located in coding exon 14 of the FANCA gene, results from an A to G substitution at nucleotide position 1276. The serine at codon 426 is replaced by glycine, an amino acid with similar properties. This amino acid position is conserved. In addition, the in silico prediction for this alteration is inconclusive. Based on the available evidence, the clinical significance of this variant remains unclear.

Labcorp Genetics (formerly Invitae), Labcorp
Classification: Uncertain significance for Fanconi anemia. Last evaluated: 2021-09-02. Review status: criteria provided, single submitter. Criteria: Invitae Variant Classification Sherloc (09022015). Collection method: clinical testing. Allele origin: germline.
Comment: This sequence change replaces serine with glycine at codon 426 of the FANCA protein (p.Ser426Gly). The serine residue is moderately conserved and there is a small physicochemical difference between serine and glycine. This variant is not present in population databases (ExAC no frequency). This variant has not been reported in the literature in individuals affected with FANCA-related conditions. Algorithms developed to predict the effect of missense changes on protein structure and function (SIFT, PolyPhen-2, Align-GVGD) all suggest that this variant is likely to be tolerated. In summary, the available evidence is currently insufficient to determine the role of this variant in disease. Therefore, it has been classified as a Variant of Uncertain Significance.

Natera, Inc.
Classification: Uncertain significance for Fanconi anemia. Last evaluated: 2021-06-25. Review status: no assertion criteria provided. Collection method: clinical testing. Allele origin: germline. Not counted in ClinVar's aggregate classification.